The following is an entry in ClinVar:

NM_001130987.2(DYSF):c.5635del (p.Tyr1878_Val1879insTer)

Gene: DYSF (dysferlin; plus strand). Cytogenetic location: 2p13.2.
Variant type: Deletion.
Coding change: c.5635del on transcript NM_001130987.2 (MANE Select); coding-DNA position 5635, one base deleted (G; older notation c.5635delG).
Protein change: p.Tyr1878_Val1879insTer.
Molecular consequence: nonsense.
Genome position (GRCh38, 1-based): chr2:71,669,200, G deleted. VCF-style (leftmost placement, unchanged base first): chr2-71669199-TG-T. GRCh37 (hg19) VCF-style: chr2-71896329-TG-T.
Other names: c.5521del, p.Tyr1840_Val1841insTer (NM_001130455.2); c.5476del, p.Tyr1825_Val1826insTer (NM_001130976.2); c.5539del, p.Tyr1846_Val1847insTer (NM_001130977.2); c.5581del, p.Tyr1860_Val1861insTer (NM_001130978.2); c.5611del, p.Tyr1870_Val1871insTer (NM_001130979.2); c.5569del, p.Tyr1856_Val1857insTer (NM_001130980.2); c.5632del, p.Tyr1877_Val1878insTer (NM_001130981.2); c.5614del, p.Tyr1871_Val1872insTer (NM_001130982.2); and 5 more.
Identifiers: ClinVar variation 1996643 (VCV001996643.4), dbSNP rs2546575680, ClinGen allele CA2580067840.
Genomic context (GRCh38, chr2:71,669,199, plus strand): 5'-TACCAGAGATGTGATCCTGGATGACCTGAGCCTCACGGGGGAGAAGATGAGCGACATTTA[TG>T]TGAAAGGGTAGGGAGCCAGCGTCCTCTTGCCTGTCCAGCTTCCCGCAGCTCCCGTGCTCC-3'

ClinVar aggregate classification (germline): Pathogenic (1 of 4 stars; one submission).

Conditions:
Neuromuscular disease caused by qualitative or quantitative defects of dysferlin. Also called: Dysferlinopathy; Qualitative or quantitative defects of dysferlin. Identifiers: Orphanet 207073, MedGen C2931687, MONDO:0016145.

Submission:

Labcorp Genetics (formerly Invitae), Labcorp
Classification: Pathogenic for Neuromuscular disease caused by qualitative or quantitative defects of dysferlin. Last evaluated: 2022-05-20. Review status: criteria provided, single submitter. Criteria: Invitae Variant Classification Sherloc (09022015). Collection method: clinical testing. Allele origin: germline.
Comment: This sequence change creates a premature translational stop signal (p.Val1840*) in the DYSF gene. It is expected to result in an absent or disrupted protein product. Loss-of-function variants in DYSF are known to be pathogenic (PMID: 17698709, 20301480). This variant is not present in population databases (gnomAD no frequency). For these reasons, this variant has been classified as Pathogenic. This variant has not been reported in the literature in individuals affected with DYSF-related conditions.

Literature cited by the submitters: PubMed 17698709; PubMed 20301480.